The following is an entry in ClinVar:

ClinVar aggregate classification (germline): Likely benign (1 of 4 stars; one submission).

Allele frequency attached by ClinVar (database versions not stated): gnomAD 0.00256; ExAC 0.00610; 1000 Genomes Project 30x 0.00734.

Submission:

CeGaT Center for Human Genetics Tuebingen
Classification: Likely benign. Last evaluated: 2025-08-01. Review status: criteria provided, single submitter. Criteria: CeGaT Center For Human Genetics Tuebingen Variant Classification Criteria Version 2. Collection method: clinical testing. Allele origin: germline. Affected: yes. Observed: 3 variant alleles.
Comment: GOLGA8F: BP4, BP7

NM_001350920.2(GOLGA8F):c.1077A>G (p.Pro359=)

Gene: GOLGA8F (golgin A8 family member F; plus strand). Cytogenetic location: 15q13.1.
Variant type: single nucleotide variant.
Coding change: c.1077A>G on transcript NM_001350920.2 (MANE Select); coding-DNA position 1077, A replaced by G.
Protein change: p.Pro359=; no amino-acid change (proline 359 retained).
Molecular consequence: synonymous variant. On other transcripts: non-coding transcript variant (1).
Genome position (GRCh38, 1-based): chr15:28,385,324, A>G. VCF-style: chr15-28385324-A-G. GRCh37 (hg19) VCF-style: chr15-28630470-A-G.
Identifiers: ClinVar variation 2645089 (VCV002645089.24), dbSNP rs2044268, ClinGen allele CA7444001.